The following is an entry in ClinVar:

NM_001283009.2(RTEL1):c.2609A>T (p.Glu870Val)

Genes: RTEL1 (regulator of telomere elongation helicase 1; plus strand), RTEL1-TNFRSF6B (RTEL1-TNFRSF6B readthrough (NMD candidate); plus strand). Cytogenetic location: 20q13.33.
Variant type: single nucleotide variant.
Coding change: c.2609A>T on transcript NM_001283009.2 (MANE Select); coding-DNA position 2609, A replaced by T.
Protein change: p.Glu870Val; replaces glutamic acid 870 with valine.
Molecular consequence: missense variant. On other transcripts: non-coding transcript variant (1).
Genome position (GRCh38, 1-based): chr20:63,691,794, A>T. VCF-style: chr20-63691794-A-T. GRCh37 (hg19) VCF-style: chr20-62323147-A-T.
Other names: c.1940A>T, p.Glu647Val (NM_001283010.1); c.2609A>T, p.Glu870Val (NM_016434.4); c.2681A>T, p.Glu894Val (NM_032957.5); short protein forms E870V, E647V, E894V.
Identifiers: ClinVar variation 3948283 (VCV003948283.1).

ClinVar aggregate classification (germline): Uncertain significance (1 of 4 stars; one submission).

Conditions:
Inborn genetic diseases. Identifiers: MedGen C0950123, MeSH D030342.

Submission:

Ambry Genetics
Classification: Uncertain significance for Inborn genetic diseases. Last evaluated: 2025-03-31. Review status: criteria provided, single submitter. Criteria: Ambry Variant Classification Scheme 2023. Collection method: clinical testing. Allele origin: germline.
Comment: The p.E870V variant (also known as c.2609A>T), located in coding exon 27 of the RTEL1 gene, results from an A to T substitution at nucleotide position 2609. The glutamic acid at codon 870 is replaced by valine, an amino acid with dissimilar properties. This amino acid position is conserved. In addition, this alteration is predicted to be tolerated by in silico analysis. Based on the available evidence, the clinical significance of this variant remains unclear.